The following is an entry in ClinVar:

ClinVar aggregate classification (germline): Likely benign (1 of 4 stars; one submission).

gnomAD v4.1: 18 of 1,613,806 alleles (0.0011%); highest among the groups gnomAD compares: Non-Finnish European, 0.0015%; no homozygotes.

Submission:

CeGaT Center for Human Genetics Tuebingen
Classification: Likely benign. Last evaluated: 2023-03-01. Review status: criteria provided, single submitter. Criteria: CeGaT Center For Human Genetics Tuebingen Variant Classification Criteria Version 2. Collection method: clinical testing. Allele origin: germline. Affected: yes. Observed: 1 variant allele.
Comment: BTBD2: BP4, BP7

NM_017797.4(BTBD2):c.507T>A (p.Ala169=)

Gene: BTBD2 (BTB domain containing 2; minus strand). Cytogenetic location: 19p13.3.
Variant type: single nucleotide variant.
Coding change: c.507T>A on transcript NM_017797.4 (MANE Select); coding-DNA position 507, T replaced by A.
Protein change: p.Ala169=; no amino-acid change (alanine 169 retained).
Molecular consequence: synonymous variant.
Genome position (GRCh38, 1-based): chr19:1,997,364, A>T on the plus strand (T>A on the coding strand, the complement: BTBD2 is on the minus strand). VCF-style: chr19-1997364-A-T. GRCh37 (hg19) VCF-style: chr19-1997363-A-T.
Identifiers: ClinVar variation 2648955 (VCV002648955.24), dbSNP rs1610045, ClinGen allele CA9056461.